The following is an entry in ClinVar:

NM_005435.4(ARHGEF5):c.4248A>G (p.Pro1416=)

Gene: ARHGEF5 (Rho guanine nucleotide exchange factor 5; plus strand). Cytogenetic location: 7q35.
Variant type: single nucleotide variant.
Coding change: c.4248A>G on transcript NM_005435.4 (MANE Select); coding-DNA position 4248, A replaced by G.
Protein change: p.Pro1416=; no amino-acid change (proline 1416 retained).
Molecular consequence: synonymous variant.
Genome position (GRCh38, 1-based): chr7:144,374,839, A>G. VCF-style: chr7-144374839-A-G. GRCh37 (hg19) VCF-style: chr7-144071932-A-G.
Identifiers: ClinVar variation 4872495 (VCV004872495.2).

ClinVar aggregate classification (germline): Likely benign (1 of 4 stars; one submission).

Submission:

CeGaT Center for Human Genetics Tuebingen
Classification: Likely benign. Last evaluated: 2026-07-01. Review status: criteria provided, single submitter. Criteria: CeGaT Center For Human Genetics Tuebingen Variant Classification Criteria Version 2. Collection method: clinical testing. Allele origin: germline. Affected: yes. Observed: 1 variant allele.
Comment: ARHGEF5: BP4, BP7